The following is an entry in ClinVar:

ClinVar aggregate classification (germline): Uncertain significance. Review status: criteria provided, multiple submitters, no conflicts (2 of 4 stars). 2 submissions from 2 submitters: Uncertain significance (2). Last evaluated 2024-12-08.

Conditions:
Inborn genetic diseases. Identifiers: MedGen C0950123, MeSH D030342.

Allele frequency attached by ClinVar (database versions not stated): gnomAD exomes below 0.00001.

Submissions (2):

Ambry Genetics
Classification: Uncertain significance for Inborn genetic diseases. Last evaluated: 2024-12-08. Review status: criteria provided, single submitter. Criteria: Ambry Variant Classification Scheme 2023. Collection method: clinical testing. Allele origin: germline.
Comment: The p.S160L variant (also known as c.479C>T), located in coding exon 3 of the ANKRD26 gene, results from a C to T substitution at nucleotide position 479. The serine at codon 160 is replaced by leucine, an amino acid with dissimilar properties. This amino acid position is conserved. In addition, this alteration is predicted to be tolerated by in silico analysis. Based on the available evidence, the clinical significance of this variant remains unclear.

Labcorp Genetics (formerly Invitae), Labcorp
Classification: Uncertain significance. Last evaluated: 2024-10-29. Review status: criteria provided, single submitter. Criteria: Invitae Variant Classification Sherloc (09022015). Collection method: clinical testing. Allele origin: germline.
Comment: This sequence change replaces serine, which is neutral and polar, with leucine, which is neutral and non-polar, at codon 160 of the ANKRD26 protein (p.Ser160Leu). This variant is not present in population databases (gnomAD no frequency). This variant has not been reported in the literature in individuals affected with ANKRD26-related conditions. ClinVar contains an entry for this variant (Variation ID: 2905306). An algorithm developed to predict the effect of missense changes on protein structure and function (PolyPhen-2) suggests that this variant is likely to be tolerated. In summary, the available evidence is currently insufficient to determine the role of this variant in disease. Therefore, it has been classified as a Variant of Uncertain Significance.

NM_014915.3(ANKRD26):c.479C>T (p.Ser160Leu)

Gene: ANKRD26 (ankyrin repeat domain 26; minus strand). Cytogenetic location: 10p12.1.
Variant type: single nucleotide variant.
Coding change: c.479C>T on transcript NM_014915.3 (MANE Select); coding-DNA position 479, C replaced by T.
Protein change: p.Ser160Leu; replaces serine 160 with leucine.
Molecular consequence: missense variant.
Genome position (GRCh38, 1-based): chr10:27,093,401, G>A on the plus strand (C>T on the coding strand, the complement: ANKRD26 is on the minus strand). VCF-style: chr10-27093401-G-A. GRCh37 (hg19) VCF-style: chr10-27382330-G-A.
Other names: c.479C>T, p.Ser160Leu (NM_001256053.2); short protein forms S160L.
Identifiers: ClinVar variation 2905306 (VCV002905306.4), dbSNP rs2539285838, ClinGen allele CA376367828.